The following is an entry in ClinVar:

ClinVar aggregate classification (germline): Likely benign (1 of 4 stars; one submission).

gnomAD v4.1: 3,739 of 1,611,066 alleles (0.23%); highest among the groups gnomAD compares: Non-Finnish European, 0.28%; 11 homozygotes.

Submission:

CeGaT Center for Human Genetics Tuebingen
Classification: Likely benign. Last evaluated: 2025-02-01. Review status: criteria provided, single submitter. Criteria: CeGaT Center For Human Genetics Tuebingen Variant Classification Criteria Version 2. Collection method: clinical testing. Allele origin: germline. Affected: yes. Observed: 1 variant allele.
Comment: ARHGEF17: BP4, BP7

NM_014786.4(ARHGEF17):c.4932G>T (p.Ser1644=)

Gene: ARHGEF17 (Rho guanine nucleotide exchange factor 17; plus strand). Cytogenetic location: 11q13.4.
Variant type: single nucleotide variant.
Coding change: c.4932G>T on transcript NM_014786.4 (MANE Select); coding-DNA position 4932, G replaced by T.
Protein change: p.Ser1644=; no amino-acid change (serine 1644 retained).
Molecular consequence: synonymous variant.
Genome position (GRCh38, 1-based): chr11:73,362,670, G>T. VCF-style: chr11-73362670-G-T. GRCh37 (hg19) VCF-style: chr11-73073715-G-T.
Identifiers: ClinVar variation 3770537 (VCV003770537.13).
Genomic context (GRCh38, chr11:73,362,670, plus strand): 5'-CGAGGGTGACCCCCGCCCAGAGCTGGTGCCCTTTGACAGTGACTCTGACGATGAGTCTTC[G>T]CCCAGCCCCTCGGGGACGCTGCAGAGCCAGGCCAGCCGGTCCACCATCTCCTCCAGCTTT-3'
Protein context (NP_055601.2, residues 1634-1654): PFDSDSDDES[Ser1644=]PSPSGTLQSQ